The following is an entry in ClinVar:

NM_004958.4(MTOR):c.2816G>A (p.Gly939Glu)

Gene: MTOR (mechanistic target of rapamycin kinase; minus strand). Cytogenetic location: 1p36.22.
Variant type: single nucleotide variant.
Coding change: c.2816G>A on transcript NM_004958.4 (MANE Select); coding-DNA position 2816, G replaced by A.
Protein change: p.Gly939Glu; replaces glycine 939 with glutamic acid.
Molecular consequence: missense variant.
Genome position (GRCh38, 1-based): chr1:11,228,882, C>T on the plus strand (G>A on the coding strand, the complement: MTOR is on the minus strand). VCF-style: chr1-11228882-C-T. GRCh37 (hg19) VCF-style: chr1-11288939-C-T.
Other names: c.2816G>A, p.Gly939Glu (NM_001386500.1); c.1568G>A, p.Gly523Glu (NM_001386501.1); short protein forms G523E, G939E.
Identifiers: ClinVar variation 4885217 (VCV004885217.2).

ClinVar aggregate classification (germline): Uncertain significance (1 of 4 stars; one submission).

Submission:

Dasa
Classification: Uncertain significance. Last evaluated: 2024-11-06. Review status: criteria provided, single submitter. Criteria: DASA Assertion Criteria. Collection method: clinical testing. Allele origin: germline.
Comment: NM_004958.4(MTOR):c.2816G>A (p.Gly939Glu) is a missense variant that results in the substitution of glycine with glutamic acid. This variant is absent from population databases. Computational prediction algorithms are consistent with a benign effect. The currently available literature and clinical evidence are not sufficient to establish a definitive association between this variant and the reported condition. Therefore, this variant is classified as a variant of uncertain significance.